The following is an entry in ClinVar:

NM_018100.4(EFHC1):c.1835A>C (p.Asp612Ala)

Gene: EFHC1 (EF-hand domain containing 1; plus strand). Cytogenetic location: 6p12.2.
Variant type: single nucleotide variant.
Coding change: c.1835A>C on transcript NM_018100.4 (MANE Select); coding-DNA position 1835, A replaced by C.
Protein change: p.Asp612Ala; replaces aspartic acid 612 with alanine.
Molecular consequence: missense variant. On other transcripts: non-coding transcript variant (1).
Genome position (GRCh38, 1-based): chr6:52,490,334, A>C. VCF-style: chr6-52490334-A-C. GRCh37 (hg19) VCF-style: chr6-52355132-A-C.
Other names: c.1778A>C, p.Asp593Ala (NM_001172420.2); short protein forms D612A, D593A.
Identifiers: ClinVar variation 853670 (VCV000853670.11), dbSNP rs765750690, ClinGen allele CA3856182.

ClinVar aggregate classification (germline): Uncertain significance (1 of 4 stars; one submission).

Conditions:
Absence seizure. Also called: Absence epilepsy. Identifiers: Orphanet 1941, MedGen C0014553.
Myoclonic epilepsy, juvenile, susceptibility to, 1. Also called: Myoclonic Epilepsy, Juvenile, 1; EJM1. Identifiers: MedGen C1850778, MONDO:0020752, OMIM 254770.

Allele frequency attached by ClinVar (database versions not stated): ExAC 0.00001; gnomAD exomes 0.00001.
gnomAD v4.1: 3 of 1,613,908 alleles (0.00019%); highest among the groups gnomAD compares: Admixed American, 0.005%; no homozygotes.

Submission:

Labcorp Genetics (formerly Invitae), Labcorp
Classification: Uncertain significance for Myoclonic epilepsy, juvenile, susceptibility to, 1; Absence seizure. Last evaluated: 2019-11-20. Review status: criteria provided, single submitter. Criteria: Invitae Variant Classification Sherloc (09022015). Collection method: clinical testing. Allele origin: germline.
Comment: This sequence change replaces aspartic acid with alanine at codon 612 of the EFHC1 protein (p.Asp612Ala). The aspartic acid residue is moderately conserved and there is a moderate physicochemical difference between aspartic acid and alanine. In summary, the available evidence is currently insufficient to determine the role of this variant in disease. Therefore, it has been classified as a Variant of Uncertain Significance. Algorithms developed to predict the effect of missense changes on protein structure and function (SIFT, PolyPhen-2, Align-GVGD) all suggest that this variant is likely to be tolerated, but these predictions have not been confirmed by published functional studies and their clinical significance is uncertain. This variant has not been reported in the literature in individuals with EFHC1-related conditions. This variant is present in population databases (rs765750690, ExAC 0.009%).